The following is an entry in ClinVar:

NM_002546.4(TNFRSF11B):c.1102A>C (p.Thr368Pro)

Gene: TNFRSF11B (TNF receptor superfamily member 11b; minus strand). Cytogenetic location: 8q24.12.
Variant type: single nucleotide variant.
Coding change: c.1102A>C on transcript NM_002546.4 (MANE Select); coding-DNA position 1102, A replaced by C.
Protein change: p.Thr368Pro; replaces threonine 368 with proline.
Molecular consequence: missense variant.
Genome position (GRCh38, 1-based): chr8:118,924,478, T>G on the plus strand (A>C on the coding strand, the complement: TNFRSF11B is on the minus strand). VCF-style: chr8-118924478-T-G. GRCh37 (hg19) VCF-style: chr8-119936717-T-G.
Other names: short protein forms T368P.
Identifiers: ClinVar variation 3006782 (VCV003006782.3), dbSNP rs149720389, ClinGen allele CA4854770.
Genomic context (GRCh38, chr8:118,924,478, plus strand): 5'-TTTCTAAAAATAACTTCTGATACAATTTGTACATTGTGAAGCTGTGAAGGAACCTGATGG[T>G]CTTCTTTAGACTCTGAGTGACAGTTTTGGGAAAGTGGTACGTCTTTGAGTGCTTTAGTGC-3'
Protein context (NP_002537.3, residues 358-378): PKTVTQSLKK[Thr368Pro]IRFLHSFTMY

ClinVar aggregate classification (germline): Uncertain significance (1 of 4 stars; one submission).

gnomAD v4.1: 2 of 1,613,900 alleles (0.00012%); highest among the groups gnomAD compares: East Asian, 0.0045%; no homozygotes.

Submission:

Labcorp Genetics (formerly Invitae), Labcorp
Classification: Uncertain significance. Last evaluated: 2023-01-25. Review status: criteria provided, single submitter. Criteria: Invitae Variant Classification Sherloc (09022015). Collection method: clinical testing. Allele origin: germline.
Comment: In summary, the available evidence is currently insufficient to determine the role of this variant in disease. Therefore, it has been classified as a Variant of Uncertain Significance. Algorithms developed to predict the effect of missense changes on protein structure and function (SIFT, PolyPhen-2, Align-GVGD) all suggest that this variant is likely to be tolerated. This variant has not been reported in the literature in individuals affected with TNFRSF11B-related conditions. The frequency data for this variant in the population databases is considered unreliable, as metrics indicate poor data quality at this position in the gnomAD database. This sequence change replaces threonine, which is neutral and polar, with proline, which is neutral and non-polar, at codon 368 of the TNFRSF11B protein (p.Thr368Pro).